The following is an entry in ClinVar:

ClinVar aggregate classification (germline): Pathogenic (1 of 4 stars; one submission).

Conditions:
Hereditary cancer-predisposing syndrome. Also called: Hereditary neoplastic syndrome; Tumor predisposition; Hereditary Cancer Syndrome; Neoplastic Syndromes, Hereditary. Identifiers: Orphanet 140162, MedGen C0027672, MeSH D009386, MONDO:0015356.

Submission:

Ambry Genetics
Classification: Pathogenic for Hereditary cancer-predisposing syndrome. Last evaluated: 2023-07-27. Review status: criteria provided, single submitter. Criteria: Ambry Variant Classification Scheme 2023. Collection method: clinical testing. Allele origin: germline.
Comment: The c.760delA pathogenic mutation, located in coding exon 7 of the FANCC gene, results from a deletion of one nucleotide at nucleotide position 760, causing a translational frameshift with a predicted alternate stop codon (p.M254Cfs*8). This variant is considered to be rare based on population cohorts in the Genome Aggregation Database (gnomAD). This alteration is expected to result in loss of function by premature protein truncation or nonsense-mediated mRNA decay. As such, this alteration is interpreted as a disease-causing mutation.

NM_000136.3(FANCC):c.760del (p.Met254fs)

Genes: FANCC (FA complementation group C; minus strand), AOPEP (aminopeptidase O (putative); plus strand). Cytogenetic location: 9q22.32.
Variant type: Deletion.
Coding change: c.760del on transcript NM_000136.3 (MANE Select); coding-DNA position 760, one base deleted (A; older notation c.760delA).
Protein change: p.Met254fs; shifts the reading frame from methionine 254.
Molecular consequence: frameshift variant.
Genome position (GRCh38, 1-based): chr9:95,135,429, T deleted on the plus strand (A on the coding strand, the reverse complement: FANCC is on the minus strand); the first of 2 consecutive T bases (chr9:95,135,429-95,135,430); deleting either gives the same sequence. VCF-style (leftmost placement, unchanged base first): chr9-95135428-AT-A. GRCh37 (hg19) VCF-style: chr9-97897710-AT-A.
Other names: c.760del, p.Met254fs (NM_001243743.2, NM_001243744.2); c.760delA (NM_000136.2); short protein forms M254fs.
Identifiers: ClinVar variation 2585976 (VCV002585976.2), dbSNP rs2541401443, ClinGen allele CA2582342004.